The following is an entry in ClinVar:

NM_015665.6(AAAS):c.333C>T (p.Ser111=)

Gene: AAAS (aladin WD repeat nucleoporin; minus strand). Cytogenetic location: 12q13.13.
Variant type: single nucleotide variant.
Coding change: c.333C>T on transcript NM_015665.6 (MANE Select); coding-DNA position 333, C replaced by T.
Protein change: p.Ser111=; no amino-acid change (serine 111 retained).
Molecular consequence: synonymous variant.
Genome position (GRCh38, 1-based): chr12:53,315,401, G>A on the plus strand (C>T on the coding strand, the complement: AAAS is on the minus strand). VCF-style: chr12-53315401-G-A. GRCh37 (hg19) VCF-style: chr12-53709185-G-A.
Other names: c.333C>T, p.Ser111= (NM_001173466.2).
Identifiers: ClinVar variation 309736 (VCV000309736.10), dbSNP rs146770218, ClinGen allele CA6599260.
Genomic context (GRCh38, chr12:53,315,401, plus strand): 5'-ATGGGGGAACAGGGACCCATGGAGGGAAGAGGCCCATCGACAGAGTGCCAGGGCCCAGCC[G>A]GATGCCGTCTTCACCCACTCAAACACTGTAGGGTTGAGGAAGCAGCTCTGATTAAACCAT-3'
Protein context (NP_056480.1, residues 101-121): EEVFEWVKTA[Ser111=]GWALALCRWA

ClinVar aggregate classification (germline): Likely benign. Review status: criteria provided, single submitter (1 of 4 stars). 2 submissions from 2 submitters: Likely benign (1). 1 of the submissions does not count toward it. Last evaluated 2024-11-05.

Conditions:
AAAS-related disorder. Also called: AAAS-related condition.

Allele frequency attached by ClinVar (database versions not stated): gnomAD exomes 0.00001 and 0.00003; ExAC 0.00004; TOPMed 0.00005; gnomAD 0.00006 and 0.00007; ESP Exome Variant Server 0.00023.
gnomAD v4.1: 26 of 1,613,544 alleles (0.0016%); highest among the groups gnomAD compares: Middle Eastern, 0.035%; no homozygotes.

Submissions (2):

Labcorp Genetics (formerly Invitae), Labcorp
Classification: Likely benign. Last evaluated: 2024-11-05. Review status: criteria provided, single submitter. Criteria: Invitae Variant Classification Sherloc (09022015). Collection method: clinical testing. Allele origin: germline.

PreventionGenetics, part of Exact Sciences
Classification: Likely benign for AAAS-related condition. Last evaluated: 2019-03-26. Review status: no assertion criteria provided. Collection method: clinical testing. Allele origin: germline. Not counted in ClinVar's aggregate classification.
Comment: This variant is classified as likely benign based on ACMG/AMP sequence variant interpretation guidelines (Richards et al. 2015 PMID: 25741868, with internal and published modifications).